The following is an entry in ClinVar:

ClinVar aggregate classification (germline): Uncertain significance (1 of 4 stars; one submission).

Allele frequency attached by ClinVar (database versions not stated): gnomAD exomes 0.00001 and 0.00002; ExAC 0.00003; gnomAD 0.00004 and 0.00014; ESP Exome Variant Server 0.00008; TOPMed 0.00017.
gnomAD v4.1: 35 of 1,517,354 alleles (0.0023%); highest among the groups gnomAD compares: Middle Eastern, 0.051%; no homozygotes.

Submission:

Labcorp Genetics (formerly Invitae), Labcorp
Classification: Uncertain significance. Last evaluated: 2025-09-08. Review status: criteria provided, single submitter. Criteria: Invitae Variant Classification Sherloc (09022015). Collection method: clinical testing. Allele origin: germline.
Comment: This sequence change replaces histidine, which is basic and polar, with glutamine, which is neutral and polar, at codon 690 of the IFT88 protein (p.His690Gln). This variant is present in population databases (rs74996961, gnomAD 0.01%). This variant has not been reported in the literature in individuals affected with IFT88-related conditions. ClinVar contains an entry for this variant (Variation ID: 1383010). Experimental studies and prediction algorithms are not available or were not evaluated, and the functional significance of this variant is currently unknown. In summary, the available evidence is currently insufficient to determine the role of this variant in disease. Therefore, it has been classified as a Variant of Uncertain Significance.

NM_006531.5(IFT88):c.2043C>G (p.His681Gln)

Gene: IFT88 (intraflagellar transport 88; plus strand). Cytogenetic location: 13q12.11.
Variant type: single nucleotide variant.
Coding change: c.2043C>G on transcript NM_006531.5 (MANE Select); coding-DNA position 2043, C replaced by G.
Protein change: p.His681Gln; replaces histidine 681 with glutamine.
Molecular consequence: missense variant. On other transcripts: non-coding transcript variant (5).
Genome position (GRCh38, 1-based): chr13:20,656,405, C>G. VCF-style: chr13-20656405-C-G. GRCh37 (hg19) VCF-style: chr13-21230544-C-G.
Other names: c.1986C>G, p.His662Gln (NM_001318491.2, NM_001353575.2); c.2070C>G, p.His690Gln (NM_001318493.2, NM_001353565.2, NM_001353566.2 and 2 more transcripts); c.2043C>G, p.His681Gln (NM_001353568.2, NM_001353572.2); c.1968C>G, p.His656Gln (NM_001353569.2, NM_001353570.2, NM_001353576.2 and 1 more transcripts); c.1941C>G, p.His647Gln (NM_001353571.2, NM_001353578.2); c.1899C>G, p.His633Gln (NM_001353573.2); c.1884C>G, p.His628Gln (NM_001353574.2); c.1410C>G, p.His470Gln (NM_001353579.2); short protein forms H628Q, H656Q, H662Q, H690Q, H633Q, H647Q, H470Q, H681Q.
Identifiers: ClinVar variation 1383010 (VCV001383010.6), dbSNP rs74996961, ClinGen allele CA6905631.